The following is an entry in ClinVar:

ClinVar aggregate classification (germline): Uncertain significance (1 of 4 stars; one submission).

Conditions:
Primary hyperoxaluria, type I (HP1). Also called: OXALOSIS I; Primary hyperoxaluria type 1; GLYCOLIC ACIDURIA; HEPATIC AGT DEFICIENCY. Identifiers: Orphanet 416, Orphanet 93598, MedGen C0268164, MONDO:0009823, OMIM 259900. Disease mechanism: loss of function.

Submission:

Thalassemia Center, San Luigi University Hospital
Classification: Uncertain significance for Primary hyperoxaluria, type I. Last evaluated: 2023-10-27. Review status: criteria provided, single submitter. Criteria: ACMG Guidelines, 2015. Collection method: clinical testing. Allele origin: germline. Affected: yes.
Comment: ACMG:PM2 PM3 PP4 PP5

NM_000030.3(AGXT):c.506T>C (p.Phe169Ser)

Gene: AGXT (alanine--glyoxylate aminotransferase; plus strand). Cytogenetic location: 2q37.3.
Variant type: single nucleotide variant.
Coding change: c.506T>C on transcript NM_000030.3 (MANE Select); coding-DNA position 506, T replaced by C.
Protein change: p.Phe169Ser; replaces phenylalanine 169 with serine.
Molecular consequence: missense variant.
Genome position (GRCh38, 1-based): chr2:240,871,431, T>C. VCF-style: chr2-240871431-T-C. GRCh37 (hg19) VCF-style: chr2-241810848-T-C.
Other names: short protein forms F169S.
Identifiers: ClinVar variation 2671870 (VCV002671870.1), dbSNP rs2528744980, ClinGen allele CA351316101.